The following is an entry in ClinVar:

NM_004385.5(VCAN):c.9031A>G (p.Asn3011Asp)

Genes: VCAN (versican; plus strand), VCAN-AS1 (VCAN antisense RNA 1; minus strand). Cytogenetic location: 5q14.3.
Variant type: single nucleotide variant.
Coding change: c.9031A>G on transcript NM_004385.5 (MANE Select); coding-DNA position 9031, A replaced by G.
Protein change: p.Asn3011Asp; replaces asparagine 3011 with aspartic acid.
Molecular consequence: missense variant. On other transcripts: intron variant (2).
Genome position (GRCh38, 1-based): chr5:83,542,034, A>G. VCF-style: chr5-83542034-A-G. GRCh37 (hg19) VCF-style: chr5-82837853-A-G.
Other names: c.6070A>G, p.Asn2024Asp (NM_001164097.2); c.4004-3503A>G (NM_001164098.2); c.1043-3503A>G (NM_001126336.3); short protein forms N2024D, N3011D.
Identifiers: ClinVar variation 1419054 (VCV001419054.7), dbSNP rs761965287, ClinGen allele CA360294688.

ClinVar aggregate classification (germline): Uncertain significance. Review status: criteria provided, multiple submitters, no conflicts (2 of 4 stars). 2 submissions from 2 submitters: Uncertain significance (2). Last evaluated 2022-08-12.

Allele frequency attached by ClinVar (database versions not stated): gnomAD 0.00001; TOPMed 0.00001.
gnomAD v4.1: 12 of 1,610,254 alleles (0.00075%); highest among the groups gnomAD compares: African/African-American, 0.0013%; no homozygotes.

Submissions (2):

Labcorp Genetics (formerly Invitae), Labcorp
Classification: Uncertain significance. Last evaluated: 2022-08-12. Review status: criteria provided, single submitter. Criteria: Invitae Variant Classification Sherloc (09022015). Collection method: clinical testing. Allele origin: germline.
Comment: This sequence change replaces asparagine, which is neutral and polar, with aspartic acid, which is acidic and polar, at codon 3011 of the VCAN protein (p.Asn3011Asp). This variant is not present in population databases (gnomAD no frequency). This variant has not been reported in the literature in individuals affected with VCAN-related conditions. ClinVar contains an entry for this variant (Variation ID: 1419054). Algorithms developed to predict the effect of missense changes on protein structure and function output the following: SIFT: "Tolerated"; PolyPhen-2: "Benign"; Align-GVGD: "Class C0". The aspartic acid amino acid residue is found in multiple mammalian species, which suggests that this missense change does not adversely affect protein function. In summary, the available evidence is currently insufficient to determine the role of this variant in disease. Therefore, it has been classified as a Variant of Uncertain Significance.

Blueprint Genetics
Classification: Uncertain significance. Last evaluated: 2019-11-08. Review status: criteria provided, single submitter. Criteria: ACMG Guidelines, 2015. Collection method: clinical testing. Allele origin: germline.